The following is an entry in ClinVar:

NM_000057.4(BLM):c.2368G>C (p.Ala790Pro)

Gene: BLM (BLM RecQ like helicase; plus strand). Cytogenetic location: 15q26.1.
Variant type: single nucleotide variant.
Coding change: c.2368G>C on transcript NM_000057.4 (MANE Select); coding-DNA position 2368, G replaced by C.
Protein change: p.Ala790Pro; replaces alanine 790 with proline.
Molecular consequence: missense variant.
Genome position (GRCh38, 1-based): chr15:90,769,193, G>C. VCF-style: chr15-90769193-G-C. GRCh37 (hg19) VCF-style: chr15-91312423-G-C.
Other names: c.2368G>C, p.Ala790Pro (NM_001287246.2, NM_001287247.2); c.1243G>C, p.Ala415Pro (NM_001287248.2); short protein forms A790P, A415P.
Identifiers: ClinVar variation 2173874 (VCV002173874.5), dbSNP rs777355959, ClinGen allele CA393845149.

ClinVar aggregate classification (germline): Uncertain significance. Review status: criteria provided, multiple submitters, no conflicts (2 of 4 stars). 2 submissions from 2 submitters: Uncertain significance (2). Last evaluated 2024-08-13.

Conditions:
Hereditary cancer-predisposing syndrome. Also called: Tumor predisposition; Hereditary neoplastic syndrome; Neoplastic Syndromes, Hereditary; Hereditary Cancer Syndrome. Identifiers: Orphanet 140162, MedGen C0027672, MeSH D009386, MONDO:0015356.
Bloom syndrome (BLM). Also called: Bloom-Torre-Machacek syndrome. Identifiers: Orphanet 125, MedGen C0005859, MONDO:0008876, OMIM 210900.

gnomAD v4.1: 31 of 1,613,858 alleles (0.0019%); highest among the groups gnomAD compares: Non-Finnish European, 0.0025%; no homozygotes.

Submissions (2):

Ambry Genetics
Classification: Uncertain significance for Hereditary cancer-predisposing syndrome. Last evaluated: 2024-08-13. Review status: criteria provided, single submitter. Criteria: Ambry Variant Classification Scheme 2023. Collection method: clinical testing. Allele origin: germline.
Comment: The p.A790P variant (also known as c.2368G>C), located in coding exon 10 of the BLM gene, results from a G to C substitution at nucleotide position 2368. The alanine at codon 790 is replaced by proline, an amino acid with highly similar properties. This amino acid position is conserved. In addition, the in silico prediction for this alteration is inconclusive. Based on the available evidence, the clinical significance of this variant remains unclear.

Labcorp Genetics (formerly Invitae), Labcorp
Classification: Uncertain significance for Bloom syndrome. Last evaluated: 2023-10-29. Review status: criteria provided, single submitter. Criteria: Invitae Variant Classification Sherloc (09022015). Collection method: clinical testing. Allele origin: germline.
Comment: This sequence change replaces alanine, which is neutral and non-polar, with proline, which is neutral and non-polar, at codon 790 of the BLM protein (p.Ala790Pro). This variant is not present in population databases (gnomAD no frequency). This variant has not been reported in the literature in individuals affected with BLM-related conditions. ClinVar contains an entry for this variant (Variation ID: 2173874). Advanced modeling of protein sequence and biophysical properties (such as structural, functional, and spatial information, amino acid conservation, physicochemical variation, residue mobility, and thermodynamic stability) performed at Invitae indicates that this missense variant is expected to disrupt BLM protein function with a positive predictive value of 80%. In summary, the available evidence is currently insufficient to determine the role of this variant in disease. Therefore, it has been classified as a Variant of Uncertain Significance.